The following is an entry in ClinVar:

ClinVar aggregate classification (germline): Uncertain significance (1 of 4 stars; one submission).

Allele frequency attached by ClinVar (database versions not stated): gnomAD 0.00001 and 0.00002; ExAC 0.00002; gnomAD exomes 0.00003 and 0.00004.
gnomAD v4.1: 25 of 1,613,958 alleles (0.0015%); highest among the groups gnomAD compares: South Asian, 0.02%; no homozygotes.

Submission:

Labcorp Genetics (formerly Invitae), Labcorp
Classification: Uncertain significance. Last evaluated: 2023-07-10. Review status: criteria provided, single submitter. Criteria: Invitae Variant Classification Sherloc (09022015). Collection method: clinical testing. Allele origin: germline.
Comment: This sequence change replaces aspartic acid, which is acidic and polar, with asparagine, which is neutral and polar, at codon 1135 of the ERBIN protein (p.Asp1135Asn). This variant is present in population databases (rs528303560, gnomAD 0.03%). This variant has not been reported in the literature in individuals affected with ERBIN-related conditions. ClinVar contains an entry for this variant (Variation ID: 1496705). An algorithm developed to predict the effect of missense changes on protein structure and function (PolyPhen-2) suggests that this variant is likely to be disruptive. In summary, the available evidence is currently insufficient to determine the role of this variant in disease. Therefore, it has been classified as a Variant of Uncertain Significance.

NM_001253697.2(ERBIN):c.3403G>A (p.Asp1135Asn)

Gene: ERBIN (erbb2 interacting protein; plus strand). Cytogenetic location: 5q12.3.
Variant type: single nucleotide variant.
Coding change: c.3403G>A on transcript NM_001253697.2 (MANE Select); coding-DNA position 3403, G replaced by A.
Protein change: p.Asp1135Asn; replaces aspartic acid 1135 with asparagine.
Molecular consequence: missense variant.
Genome position (GRCh38, 1-based): chr5:66,054,721, G>A. VCF-style: chr5-66054721-G-A. GRCh37 (hg19) VCF-style: chr5-65350549-G-A.
Other names: c.3403G>A, p.Asp1135Asn (NM_001006600.3, NM_001253698.2, NM_001253699.2 and 1 more transcripts); c.3391G>A, p.Asp1131Asn (NM_001253701.2); short protein forms D1135N, D1131N.
Identifiers: ClinVar variation 1496705 (VCV001496705.8), dbSNP rs528303560, ClinGen allele CA3286654.
Genomic context (GRCh38, chr5:66,054,721, plus strand): 5'-AGAACTCCTCCAATGATGCCAGGATCACAGAGACCCCTTTCTGCACGAACATACAGCATA[G>A]ATGGTCCAAATGCATCAAGACCTCAGAGTGCTCGACCCTCTATTAATGAAATACCAGAGA-3'
Protein context (NP_001240626.1, residues 1125-1145): RPLSARTYSI[Asp1135Asn]GPNASRPQSA